The following is an entry in ClinVar:

NM_005560.6(LAMA5):c.9377C>G (p.Thr3126Ser)

Gene: LAMA5 (laminin subunit alpha 5; minus strand). Cytogenetic location: 20q13.33.
Variant type: single nucleotide variant.
Coding change: c.9377C>G on transcript NM_005560.6 (MANE Select); coding-DNA position 9377, C replaced by G.
Protein change: p.Thr3126Ser; replaces threonine 3126 with serine.
Molecular consequence: missense variant.
Genome position (GRCh38, 1-based): chr20:62,312,300, G>C on the plus strand (C>G on the coding strand, the complement: LAMA5 is on the minus strand). VCF-style: chr20-62312300-G-C. GRCh37 (hg19) VCF-style: chr20-60887356-G-C.
Other names: short protein forms T3126S.
Identifiers: ClinVar variation 3351317 (VCV003351317.1).

ClinVar aggregate classification (germline): Uncertain significance (0 of 4 stars; one submission).

Conditions:
LAMA5-related disorder. Also called: LAMA5-related condition; LAMA5-Related Disorders.

gnomAD v4.1: 74 of 1,610,208 alleles (0.0046%); highest among the groups gnomAD compares: Non-Finnish European, 0.0059%; no homozygotes.

Submission:

PreventionGenetics, part of Exact Sciences
Classification: Uncertain significance for LAMA5-related condition. Last evaluated: 2024-04-09. Review status: no assertion criteria provided. Collection method: clinical testing. Allele origin: germline.
Comment: The LAMA5 c.9377C>G variant is predicted to result in the amino acid substitution p.Thr3126Ser. To our knowledge, this variant has not been reported in the literature. This variant is reported in 0.0046% of alleles in individuals of European (Non-Finnish) descent in gnomAD. At this time, the clinical significance of this variant is uncertain due to the absence of conclusive functional and genetic evidence.